The following is an entry in ClinVar:

ClinVar aggregate classification (germline): Uncertain significance (1 of 4 stars; one submission).

gnomAD v4.1: 7 of 1,613,840 alleles (0.00043%); highest among the groups gnomAD compares: Non-Finnish European, 0.00059%; no homozygotes.

Submission:

Women's Health and Genetics/Laboratory Corporation of America, LabCorp
Classification: Uncertain significance. Last evaluated: 2025-10-30. Review status: criteria provided, single submitter. Criteria: LabCorp Variant Classification Summary - May 2015. Collection method: clinical testing. Allele origin: germline.
Comment: Variant summary: AEBP1 c.2705A>T (p.Glu902Val) results in a non-conservative amino acid change in the encoded protein sequence. Algorithms developed to predict the effect of missense changes on protein structure and function are either unavailable or do not agree on the potential impact of this missense change. The variant was absent in 251132 control chromosomes. The available data on variant occurrences in the general population are insufficient to allow any conclusion about variant significance. To our knowledge, no occurrence of c.2705A>T in individuals affected with AEBP1-related conditions and no experimental evidence demonstrating its impact on protein function have been reported. No submitters have cited clinical-significance assessments for this variant to ClinVar. Based on the evidence outlined above, the variant was classified as uncertain significance.

NM_001129.5(AEBP1):c.2705A>T (p.Glu902Val)

Gene: AEBP1 (AE binding protein 1; plus strand). Cytogenetic location: 7p13.
Variant type: single nucleotide variant.
Coding change: c.2705A>T on transcript NM_001129.5 (MANE Select); coding-DNA position 2705, A replaced by T.
Protein change: p.Glu902Val; replaces glutamic acid 902 with valine.
Molecular consequence: missense variant.
Genome position (GRCh38, 1-based): chr7:44,113,126, A>T. VCF-style: chr7-44113126-A-T. GRCh37 (hg19) VCF-style: chr7-44152725-A-T.
Other names: short protein forms E902V.
Identifiers: ClinVar variation 4687322 (VCV004687322.1).